The following is an entry in ClinVar:

NM_000051.4(ATM):c.6919C>G (p.Leu2307Val)

Genes: ATM (ATM serine/threonine kinase; plus strand), C11orf65 (chromosome 11 open reading frame 65; minus strand). Cytogenetic location: 11q22.3.
Variant type: single nucleotide variant.
Coding change: c.6919C>G on transcript NM_000051.4 (MANE Select); coding-DNA position 6919, C replaced by G.
Protein change: p.Leu2307Val; replaces leucine 2307 with valine.
Molecular consequence: missense variant. On other transcripts: intron variant (2).
Genome position (GRCh38, 1-based): chr11:108,326,169, C>G. VCF-style: chr11-108326169-C-G. GRCh37 (hg19) VCF-style: chr11-108196896-C-G.
Other names: c.6919C>G, p.Leu2307Val (NM_001351834.2); c.641-17098G>C (NM_001330368.2); c.*38+9051G>C (NM_001351110.2); short protein forms L2307V.
Identifiers: ClinVar variation 958260 (VCV000958260.12), dbSNP rs56009889, ClinGen allele CA382557078.
Genomic context (GRCh38, chr11:108,326,169, plus strand): 5'-GGAGTCTCTGAGTGGCAGCTGGAAGAAGCACAAGTATTCTGGGCAAAAAAGGAGCAGAGT[C>G]TTGCCCTGAGTATTCTCAAGCAAATGATCAAGAAGTTGGATGCCAGCTGTGCAGCGGTTT-3'
Protein context (NP_000042.3, residues 2297-2317): QVFWAKKEQS[Leu2307Val]ALSILKQMIK

ClinVar aggregate classification (germline): Uncertain significance. Review status: criteria provided, multiple submitters, no conflicts (2 of 4 stars). 2 submissions from 2 submitters: Uncertain significance (2). Last evaluated 2025-05-28.

Conditions:
Hereditary cancer-predisposing syndrome. Also called: Tumor predisposition; Neoplastic Syndromes, Hereditary; Hereditary neoplastic syndrome; Hereditary Cancer Syndrome. Identifiers: Orphanet 140162, MedGen C0027672, MeSH D009386, MONDO:0015356.
Ataxia-telangiectasia syndrome (AT). Also called: Ataxia-telangiectasia, complementation group D; AT, COMPLEMENTATION GROUP C; ATAXIA-TELANGIECTASIA, COMPLEMENTATION GROUP A; ATAXIA-TELANGIECTASIA, FRESNO VARIANT; Ataxia-telangiectasia; Ataxia telangiectasia (A-T). Identifiers: Orphanet 100, MedGen C0004135, MONDO:0008840, OMIM 208900.

Allele frequency attached by ClinVar (database versions not stated): TOPMed 0.00001.
gnomAD v4.1: 1 of 1,614,026 alleles (0.000062%); highest among the groups gnomAD compares: Non-Finnish European, 0.000085%; no homozygotes.

Submissions (2):

Labcorp Genetics (formerly Invitae), Labcorp
Classification: Uncertain significance for Ataxia-telangiectasia syndrome. Last evaluated: 2025-05-28. Review status: criteria provided, single submitter. Criteria: Invitae Variant Classification Sherloc (09022015). Collection method: clinical testing. Allele origin: germline.
Comment: This sequence change replaces leucine, which is neutral and non-polar, with valine, which is neutral and non-polar, at codon 2307 of the ATM protein (p.Leu2307Val). This variant is not present in population databases (gnomAD no frequency). This variant has not been reported in the literature in individuals affected with ATM-related conditions. ClinVar contains an entry for this variant (Variation ID: 958260). Invitae Evidence Modeling of protein sequence and biophysical properties (such as structural, functional, and spatial information, amino acid conservation, physicochemical variation, residue mobility, and thermodynamic stability) indicates that this missense variant is not expected to disrupt ATM protein function with a negative predictive value of 95%. In summary, the available evidence is currently insufficient to determine the role of this variant in disease. Therefore, it has been classified as a Variant of Uncertain Significance.

Ambry Genetics
Classification: Uncertain significance for Hereditary cancer-predisposing syndrome. Last evaluated: 2021-04-06. Review status: criteria provided, single submitter. Criteria: Ambry Variant Classification Scheme 2023. Collection method: clinical testing. Allele origin: germline.
Comment: The p.L2307V variant (also known as c.6919C>G), located in coding exon 46 of the ATM gene, results from a C to G substitution at nucleotide position 6919. The leucine at codon 2307 is replaced by valine, an amino acid with highly similar properties. This variant was not reported in 60,466 breast cancer cases and was reported in 1/53,461 controls (Dorling et al. N Engl J Med, 2021 02;384:428-439). This amino acid position is well conserved in available vertebrate species. In addition, the in silico prediction for this alteration is inconclusive. Since supporting evidence is limited at this time, the clinical significance of this alteration remains unclear.

Literature cited by the submitters: PubMed 33471991 (cited by Ambry Genetics).